The following is an entry in ClinVar:

ClinVar aggregate classification (germline): Uncertain significance (1 of 4 stars; one submission).

Conditions:
Bloom syndrome (BLM). Also called: Bloom-Torre-Machacek syndrome. Identifiers: Orphanet 125, MedGen C0005859, MONDO:0008876, OMIM 210900.

Submission:

Labcorp Genetics (formerly Invitae), Labcorp
Classification: Uncertain significance for Bloom syndrome. Last evaluated: 2021-10-27. Review status: criteria provided, single submitter. Criteria: Invitae Variant Classification Sherloc (09022015). Collection method: clinical testing. Allele origin: germline.
Comment: This sequence change replaces isoleucine, a(n) neutral and non-polar amino acid, with methionine, a(n) neutral and non-polar amino acid, at codon 687 of the BLM protein (p.Ile687Met). This variant is not present in population databases (gnomAD no frequency). This variant has not been reported in the literature in individuals affected with BLM-related conditions. Algorithms developed to predict the effect of missense changes on protein structure and function are either unavailable or do not agree on the potential impact of this missense change (SIFT: "Deleterious"; PolyPhen-2: "Probably Damaging"; Align-GVGD: "Class C0"). In summary, the available evidence is currently insufficient to determine the role of this variant in disease. Therefore, it has been classified as a Variant of Uncertain Significance.

NM_000057.4(BLM):c.2061C>G (p.Ile687Met)

Gene: BLM (BLM RecQ like helicase; plus strand). Cytogenetic location: 15q26.1.
Variant type: single nucleotide variant.
Coding change: c.2061C>G on transcript NM_000057.4 (MANE Select); coding-DNA position 2061, C replaced by G.
Protein change: p.Ile687Met; replaces isoleucine 687 with methionine.
Molecular consequence: missense variant.
Genome position (GRCh38, 1-based): chr15:90,763,144, C>G. VCF-style: chr15-90763144-C-G. GRCh37 (hg19) VCF-style: chr15-91306374-C-G.
Other names: c.2061C>G, p.Ile687Met (NM_001287246.2, NM_001287247.2); c.936C>G, p.Ile312Met (NM_001287248.2); short protein forms I312M, I687M.
Identifiers: ClinVar variation 1378920 (VCV001378920.6), dbSNP rs2151160806, ClinGen allele CA393844467.